The following is an entry in ClinVar:

ClinVar aggregate classification (germline): Likely benign. Review status: criteria provided, multiple submitters, no conflicts (2 of 4 stars). 3 submissions from 3 submitters: Likely benign (3). Last evaluated 2025-01-19.

Conditions:
Arrhythmogenic cardiomyopathy with wooly hair and keratoderma. Also called: PALMOPLANTAR KERATODERMA WITH LEFT VENTRICULAR CARDIOMYOPATHY AND WOOLLY HAIR; Carvajal syndrome; Dilated cardiomyopathy with woolly hair and keratoderma; Arrhythmogenic cardiomyopathy with woolly hair and keratoderma. Identifiers: Orphanet 65282, MedGen C1854063, MONDO:0011581, OMIM 605676.
Cardiovascular phenotype. Identifiers: MedGen CN230736.
Cardiomyopathy (CMYO). Also called: Cardiomyopathies. Identifiers: Orphanet 167848, MedGen C0878544, MONDO:0004994, HP:0001638. Inheritance: Various modes of inheritance.

Allele frequency attached by ClinVar (database versions not stated): gnomAD exomes below 0.00001.
gnomAD v4.1: 1 of 1,613,708 alleles (0.000062%); highest among the groups gnomAD compares: Non-Finnish European, 0.000085%; no homozygotes.

Submissions (3):

Ambry Genetics
Classification: Likely benign for Cardiovascular phenotype. Last evaluated: 2025-01-19. Review status: criteria provided, single submitter. Criteria: Ambry Variant Classification Scheme 2023. Collection method: clinical testing. Allele origin: germline.

All of Us Research Program, National Institutes of Health
Classification: Likely benign for Arrhythmogenic cardiomyopathy with wooly hair and keratoderma. Last evaluated: 2023-06-26. Review status: criteria provided, single submitter. Criteria: ACMG Guidelines, 2015. Collection method: clinical testing. Allele origin: germline. Inheritance: Autosomal dominant inheritance. Observed: 1 variant allele, 1 heterozygote.
Comment: This study involves interpretation of variants in research participants for the purpose of population health screening. Participant phenotype was not available at the time of variant classification. Additional details can be found in publication PMID: 35346344, PMCID: PMC8962531

Color Diagnostics, LLC DBA Color Health
Classification: Likely benign for Cardiomyopathy. Last evaluated: 2020-03-17. Review status: criteria provided, single submitter. Criteria: ACMG Guidelines, 2015. Collection method: clinical testing. Allele origin: germline.

NM_004415.4(DSP):c.8445C>T (p.Ser2815=)

Gene: DSP (desmoplakin; plus strand). Cytogenetic location: 6p24.3.
Variant type: single nucleotide variant.
Coding change: c.8445C>T on transcript NM_004415.4 (MANE Select); coding-DNA position 8445, C replaced by T.
Protein change: p.Ser2815=; no amino-acid change (serine 2815 retained).
Molecular consequence: synonymous variant.
Genome position (GRCh38, 1-based): chr6:7,585,707, C>T. VCF-style: chr6-7585707-C-T. GRCh37 (hg19) VCF-style: chr6-7585940-C-T.
Other names: c.6648C>T, p.Ser2216= (NM_001008844.3); c.7116C>T, p.Ser2372= (NM_001319034.2).
Identifiers: ClinVar variation 923771 (VCV000923771.4), dbSNP rs1228176948, ClinGen allele CA448717203.